The following is an entry in ClinVar:

ClinVar aggregate classification (germline): Uncertain significance (1 of 4 stars; one submission).

Conditions:
Generalized epilepsy with febrile seizures plus, type 7 (GEFSP7). Also called: GEFS+, TYPE 7. Identifiers: Orphanet 36387, MedGen C2751778, MONDO:0013470, OMIM 613863.
Neuropathy, hereditary sensory and autonomic, type 2A (HSAN2A). Also called: ACROOSTEOLYSIS, GIACCAI TYPE; ACROOSTEOLYSIS, NEUROGENIC; HSAN IIA; WNK1-Related HSAN2 (HSAN2A); MORVAN DISEASE; NEUROPATHY, CONGENITAL SENSORY. Identifiers: Orphanet 970, MedGen C2752089, MONDO:0024309, OMIM 201300.

Submission:

Labcorp Genetics (formerly Invitae), Labcorp
Classification: Uncertain significance for Neuropathy, hereditary sensory and autonomic, type 2A; Generalized epilepsy with febrile seizures plus, type 7. Last evaluated: 2023-07-19. Review status: criteria provided, single submitter. Criteria: Invitae Variant Classification Sherloc (09022015). Collection method: clinical testing. Allele origin: germline.
Comment: Variants that disrupt the consensus splice site are a relatively common cause of aberrant splicing (PMID: 17576681, 9536098). Algorithms developed to predict the effect of sequence changes on RNA splicing suggest that this variant is not likely to affect RNA splicing. This variant has not been reported in the literature in individuals affected with SCN9A-related conditions. This variant is not present in population databases (gnomAD no frequency). This sequence change falls in intron 19 of the SCN9A gene. It does not directly change the encoded amino acid sequence of the SCN9A protein. It affects a nucleotide within the consensus splice site. In summary, the available evidence is currently insufficient to determine the role of this variant in disease. Therefore, it has been classified as a Variant of Uncertain Significance.

Literature cited by the submitters: PubMed 17576681; PubMed 9536098.

NM_001365536.1(SCN9A):c.3628-3C>T

Genes: SCN9A (sodium voltage-gated channel alpha subunit 9; minus strand), SCN1A-AS1 (SCN1A and SCN9A antisense RNA 1; plus strand). Cytogenetic location: 2q24.3.
Variant type: single nucleotide variant.
Coding change: c.3628-3C>T on transcript NM_001365536.1 (MANE Select); 3 bases into the intron before coding-DNA position 3628, C replaced by T.
Molecular consequence: intron variant.
Genome position (GRCh38, 1-based): chr2:166,238,270, G>A on the plus strand (C>T on the coding strand, the complement: SCN9A is on the minus strand). VCF-style: chr2-166238270-G-A. GRCh37 (hg19) VCF-style: chr2-167094780-G-A.
Other names: c.3595-3C>T (NM_002977.4).
Identifiers: ClinVar variation 2923054 (VCV002923054.3), dbSNP rs2469007026, ClinGen allele CA2661766003.